The following is an entry in ClinVar:

ClinVar aggregate classification (germline): Uncertain significance (1 of 4 stars; one submission).

Conditions:
Familial focal epilepsy with variable foci (FPEVF). Identifiers: Orphanet 98820, MedGen C1858477, MONDO:0020310.

Submission:

Labcorp Genetics (formerly Invitae), Labcorp
Classification: Uncertain significance for Familial focal epilepsy with variable foci. Last evaluated: 2024-05-04. Review status: criteria provided, single submitter. Criteria: Invitae Variant Classification Sherloc (09022015). Collection method: clinical testing. Allele origin: germline.
Comment: This sequence change affects an acceptor splice site in intron 42 of the DEPDC5 gene. While this variant is not anticipated to result in nonsense mediated decay, it likely alters RNA splicing and results in a disrupted protein product. This variant is not present in population databases (gnomAD no frequency). Disruption of this splice site has been observed in individual(s) with autosomal dominant DEPDC5-related epilepsy (PMID: 30868116). Variants that disrupt the consensus splice site are a relatively common cause of aberrant splicing (PMID: 17576681, 9536098). Algorithms developed to predict the effect of sequence changes on RNA splicing suggest that this variant may disrupt the consensus splice site. In summary, the available evidence is currently insufficient to determine the role of this variant in disease. Therefore, it has been classified as a Variant of Uncertain Significance.

Literature cited by the submitters: PubMed 30868116; PubMed 17576681; PubMed 9536098.

NM_001242896.3(DEPDC5):c.4520-2A>C

Gene: DEPDC5 (DEP domain containing 5, GATOR1 subcomplex subunit; plus strand). Cytogenetic location: 22q12.3.
Variant type: single nucleotide variant.
Coding change: c.4520-2A>C on transcript NM_001242896.3 (MANE Select); the canonical splice acceptor site of the intron before coding-DNA position 4520, A replaced by C.
Molecular consequence: splice acceptor variant.
Genome position (GRCh38, 1-based): chr22:31,906,203, A>C. VCF-style: chr22-31906203-A-C. GRCh37 (hg19) VCF-style: chr22-32302189-A-C.
Other names: c.4520-2A>C (NM_001364318.2); c.4493-2A>C (NM_001136029.4); c.4427-2A>C (NM_014662.6, NM_001369903.1); c.4454-2A>C (NM_001363852.2, NM_001364320.2); c.4286-2A>C (NM_001363854.2, NM_001364319.2); c.4220-2A>C (NM_001242897.2); c.4436-2A>C (NM_001369902.1, NM_001369901.1).
Identifiers: ClinVar variation 3652102 (VCV003652102.2).